The following is an entry in ClinVar:

NM_018238.4(AGK):c.21G>A (p.Thr7=)

Gene: AGK (acylglycerol kinase; plus strand). Cytogenetic location: 7q34.
Variant type: single nucleotide variant.
Coding change: c.21G>A on transcript NM_018238.4 (MANE Select); coding-DNA position 21, G replaced by A.
Protein change: p.Thr7=; no amino-acid change (threonine 7 retained).
Molecular consequence: synonymous variant.
Genome position (GRCh38, 1-based): chr7:141,555,487, G>A. VCF-style: chr7-141555487-G-A. GRCh37 (hg19) VCF-style: chr7-141255287-G-A.
Other names: c.21G>A, p.Thr7= (NM_001364948.3).
Identifiers: ClinVar variation 382382 (VCV000382382.3), dbSNP rs773549163, ClinGen allele CA4517267.

ClinVar aggregate classification (germline): Likely benign. Review status: criteria provided, multiple submitters, no conflicts (2 of 4 stars). 2 submissions from 2 submitters: Likely benign (2). Last evaluated 2024-06-06.

Conditions:
Sengers syndrome. Also called: MITOCHONDRIAL DNA DEPLETION SYNDROME 10 (CARDIOMYOPATHIC TYPE); Cardiomyopathy and cataract. Identifiers: Orphanet 1369, MedGen C1859317, MONDO:0008922, OMIM 212350.
Cataract 38. Also called: Cataract, autosomal recessive congenital 5; Cataract 38, autosomal recessive. Identifiers: Orphanet 91492, MedGen C3553494, MONDO:0013859, OMIM 614691.

Allele frequency attached by ClinVar (database versions not stated): gnomAD exomes below 0.00001; ExAC 0.00001; TOPMed 0.00001; gnomAD 0.00003.
gnomAD v4.1: 26 of 1,613,752 alleles (0.0016%); highest among the groups gnomAD compares: Middle Eastern, 0.033%; no homozygotes.

Submissions (2):

Labcorp Genetics (formerly Invitae), Labcorp
Classification: Likely benign for Sengers syndrome; Cataract 38. Last evaluated: 2024-06-06. Review status: criteria provided, single submitter. Criteria: Invitae Variant Classification Sherloc (09022015). Collection method: clinical testing. Allele origin: germline.

GeneDx
Classification: Likely benign. Last evaluated: 2016-02-05. Review status: criteria provided, single submitter. Criteria: GeneDx Variant Classification (06012015). Collection method: clinical testing. Allele origin: germline. Affected: yes.
Comment: This variant is considered likely benign or benign based on one or more of the following criteria: it is a conservative change, it occurs at a poorly conserved position in the protein, it is predicted to be benign by multiple in silico algorithms, and/or has population frequency not consistent with disease.